The following is an entry in ClinVar:

NM_000548.5(TSC2):c.4504C>A (p.Leu1502Met)

Gene: TSC2 (TSC complex subunit 2; plus strand). Cytogenetic location: 16p13.3.
Variant type: single nucleotide variant.
Coding change: c.4504C>A on transcript NM_000548.5 (MANE Select); coding-DNA position 4504, C replaced by A.
Protein change: p.Leu1502Met; replaces leucine 1502 with methionine.
Molecular consequence: missense variant.
Genome position (GRCh38, 1-based): chr16:2,084,961, C>A. VCF-style: chr16-2084961-C-A. GRCh37 (hg19) VCF-style: chr16-2134962-C-A.
Other names: c.4303C>A, p.Leu1435Met (NM_001077183.3); c.4435C>A, p.Leu1479Met (NM_001114382.3); c.4195C>A, p.Leu1399Met (NM_001318827.2); c.4159C>A, p.Leu1387Met (NM_001318829.2); c.3772C>A, p.Leu1258Met (NM_001318831.2); c.4336C>A, p.Leu1446Met (NM_001318832.2); c.4306C>A, p.Leu1436Met (NM_001363528.2); c.4372C>A, p.Leu1458Met (NM_001370404.1); and 2 more; short protein forms L1258M, L1387M, L1436M, L1458M, L1479M, L1502M, L1399M, L1435M.
Identifiers: ClinVar variation 655106 (VCV000655106.13), dbSNP rs928525608, ClinGen allele CA394302726.

ClinVar aggregate classification (germline): Uncertain significance. Review status: criteria provided, multiple submitters, no conflicts (2 of 4 stars). 4 submissions from 4 submitters: Uncertain significance (4). Last evaluated 2025-10-06.

Conditions:
Isolated focal cortical dysplasia type II (FCORD2). Also called: Focal cortical dysplasia type II; CORTICAL DYSPLASIA OF TAYLOR. Identifiers: Orphanet 268994, MedGen C1846385, MONDO:0011818, OMIM 607341, HP:0032051.
Tuberous sclerosis 2 (TSC2). Identifiers: Orphanet 805, MedGen C1860707, MONDO:0013199, OMIM 613254.
TSC2-related disorder. Also called: TSC2-Related Disorders; TSC2-related condition.
Hereditary cancer-predisposing syndrome. Also called: Neoplastic Syndromes, Hereditary; Hereditary neoplastic syndrome; Hereditary Cancer Syndrome; Tumor predisposition. Identifiers: Orphanet 140162, MedGen C0027672, MeSH D009386, MONDO:0015356.

Allele frequency attached by ClinVar (database versions not stated): gnomAD exomes below 0.00001.
gnomAD v4.1: 1 of 1,613,352 alleles (0.000062%); highest among the groups gnomAD compares: African/African-American, 0.0013%; no homozygotes.

Submissions (4):

Labcorp Genetics (formerly Invitae), Labcorp
Classification: Uncertain significance for Tuberous sclerosis 2. Last evaluated: 2025-10-06. Review status: criteria provided, single submitter. Criteria: Invitae Variant Classification Sherloc (09022015). Collection method: clinical testing. Allele origin: germline.
Comment: This sequence change replaces leucine, which is neutral and non-polar, with methionine, which is neutral and non-polar, at codon 1502 of the TSC2 protein (p.Leu1502Met). This variant is not present in population databases (gnomAD no frequency). This variant has not been reported in the literature in individuals affected with TSC2-related conditions. ClinVar contains an entry for this variant (Variation ID: 655106). Invitae Evidence Modeling of protein sequence and biophysical properties (such as structural, functional, and spatial information, amino acid conservation, physicochemical variation, residue mobility, and thermodynamic stability) indicates that this missense variant is not expected to disrupt TSC2 protein function with a negative predictive value of 95%. In summary, the available evidence is currently insufficient to determine the role of this variant in disease. Therefore, it has been classified as a Variant of Uncertain Significance.

Baylor Genetics
Classification: Uncertain significance for Isolated focal cortical dysplasia type II. Last evaluated: 2023-09-19. Review status: criteria provided, single submitter. Criteria: ACMG Guidelines, 2015. Collection method: clinical testing. Allele origin: unknown.

Ambry Genetics
Classification: Uncertain significance for Hereditary cancer-predisposing syndrome. Last evaluated: 2023-08-05. Review status: criteria provided, single submitter. Criteria: Ambry Variant Classification Scheme 2023. Collection method: clinical testing. Allele origin: germline.
Comment: The p.L1502M variant (also known as c.4504C>A), located in coding exon 34 of the TSC2 gene, results from a C to A substitution at nucleotide position 4504. The leucine at codon 1502 is replaced by methionine, an amino acid with highly similar properties. This amino acid position is highly conserved in available vertebrate species. In addition, this alteration is predicted to be deleterious by in silico analysis. Since supporting evidence is limited at this time, the clinical significance of this alteration remains unclear.

PreventionGenetics, part of Exact Sciences
Classification: Uncertain significance for TSC2-related condition. Last evaluated: 2022-12-30. Review status: criteria provided, single submitter. Criteria: ACMG Guidelines, 2015. Collection method: clinical testing. Allele origin: germline.
Comment: The TSC2 c.4504C>A variant is predicted to result in the amino acid substitution p.Leu1502Met. To our knowledge, this variant has not been reported in the literature or in a large population database, indicating this variant is rare. It is interpreted as uncertain significance in ClinVar. At this time, the clinical significance of this variant is uncertain due to the absence of conclusive functional and genetic evidence.